The following is an entry in ClinVar:

NM_001081.4(CUBN):c.6320A>C (p.Lys2107Thr)

Gene: CUBN (cubilin; minus strand). Cytogenetic location: 10p13.
Variant type: single nucleotide variant.
Coding change: c.6320A>C on transcript NM_001081.4 (MANE Select); coding-DNA position 6320, A replaced by C.
Protein change: p.Lys2107Thr; replaces lysine 2107 with threonine.
Molecular consequence: missense variant.
Genome position (GRCh38, 1-based): chr10:16,925,726, T>G on the plus strand (A>C on the coding strand, the complement: CUBN is on the minus strand). VCF-style: chr10-16925726-T-G. GRCh37 (hg19) VCF-style: chr10-16967725-T-G.
Other names: c.6320A>C (NM_001081.3); short protein forms K2107T.
Identifiers: ClinVar variation 1348531 (VCV001348531.8), dbSNP rs368864485, ClinGen allele CA5423714.

ClinVar aggregate classification (germline): Uncertain significance. Review status: criteria provided, multiple submitters, no conflicts (2 of 4 stars). 3 submissions from 3 submitters: Uncertain significance (3). Last evaluated 2025-08-11.

Conditions:
Imerslund-Grasbeck syndrome. Also called: ENTEROCYTE COBALAMIN MALABSORPTION; ENTEROCYTE INTRINSIC FACTOR RECEPTOR, DEFECT OF; PERNICIOUS ANEMIA, JUVENILE, DUE TO SELECTIVE INTESTINAL MALABSORPTION OF VITAMIN B12, WITH PROTEINURIA; Megaloblastic anemia due to inborn errors of metabolism; Imerslund-Gräsbeck syndrome. Identifiers: Orphanet 35858, MedGen C4551825, MONDO:0009853.
Inborn genetic diseases. Identifiers: MedGen C0950123, MeSH D030342.

Allele frequency attached by ClinVar (database versions not stated): ESP Exome Variant Server 0.00015; gnomAD 0.00008 and 0.00006; TOPMed 0.00008.
gnomAD v4.1: 24 of 1,613,896 alleles (0.0015%); highest among the groups gnomAD compares: African/African-American, 0.024%; no homozygotes.

Submissions (3):

GeneDx
Classification: Uncertain significance. Last evaluated: 2025-08-11. Review status: criteria provided, single submitter. Criteria: GeneDx Variant Classification Process June 2021. Collection method: clinical testing. Allele origin: germline. Affected: yes.
Comment: In silico analysis suggests that this missense variant does not alter protein structure/function; Has not been previously published as pathogenic or benign to our knowledge

Ambry Genetics
Classification: Uncertain significance for Inborn genetic diseases. Last evaluated: 2021-10-05. Review status: criteria provided, single submitter. Criteria: Ambry Variant Classification Scheme 2023. Collection method: clinical testing. Allele origin: germline.

Labcorp Genetics (formerly Invitae), Labcorp
Classification: Uncertain significance for Imerslund-Grasbeck syndrome. Last evaluated: 2021-06-29. Review status: criteria provided, single submitter. Criteria: Invitae Variant Classification Sherloc (09022015). Collection method: clinical testing. Allele origin: germline.
Comment: In summary, the available evidence is currently insufficient to determine the role of this variant in disease. Therefore, it has been classified as a Variant of Uncertain Significance. Algorithms developed to predict the effect of missense changes on protein structure and function (SIFT, PolyPhen-2, Align-GVGD) all suggest that this variant is likely to be tolerated, but these predictions have not been confirmed by published functional studies and their clinical significance is uncertain. This variant has not been reported in the literature in individuals with CUBN-related conditions. This variant is present in population databases (rs368864485, ExAC 0.02%). This sequence change replaces lysine with threonine at codon 2107 of the CUBN protein (p.Lys2107Thr). The lysine residue is weakly conserved and there is a moderate physicochemical difference between lysine and threonine.